The following is an entry in ClinVar:

ClinVar aggregate classification (germline): Likely benign (0 of 4 stars; one submission).

Conditions:
TRIM36-related disorder. Also called: TRIM36-related condition.

Allele frequency attached by ClinVar (database versions not stated): gnomAD exomes 0.00010; ExAC 0.00031; 1000 Genomes Project 0.00040; 1000 Genomes Project 30x 0.00047; gnomAD 0.00125; TOPMed 0.00141; ESP Exome Variant Server 0.00154.
gnomAD v4.1: 335 of 1,614,144 alleles (0.021%); highest among the groups gnomAD compares: African/African-American, 0.4%; 2 homozygotes.

Submission:

PreventionGenetics, part of Exact Sciences
Classification: Likely benign for TRIM36-related condition. Last evaluated: 2023-06-05. Review status: no assertion criteria provided. Collection method: clinical testing. Allele origin: germline.
Comment: This variant is classified as likely benign based on ACMG/AMP sequence variant interpretation guidelines (Richards et al. 2015 PMID: 25741868, with internal and published modifications).

NM_001300759.2(TRIM36):c.372C>G (p.Phe124Leu)

Gene: TRIM36 (tripartite motif containing 36; minus strand). Cytogenetic location: 5q22.3.
Variant type: single nucleotide variant.
Coding change: c.372C>G on transcript NM_001300759.2 (MANE Select); coding-DNA position 372, C replaced by G.
Protein change: p.Phe124Leu; replaces phenylalanine 124 with leucine.
Molecular consequence: missense variant. On other transcripts: 5 prime UTR variant (1).
Genome position (GRCh38, 1-based): chr5:115,147,285, G>C on the plus strand (C>G on the coding strand, the complement: TRIM36 is on the minus strand). VCF-style: chr5-115147285-G-C. GRCh37 (hg19) VCF-style: chr5-114482982-G-C.
Other names: c.-58C>G (NM_001300752.2); c.408C>G, p.Phe136Leu (NM_018700.4); short protein forms F124L, F136L.
Identifiers: ClinVar variation 3039400 (VCV003039400.2), dbSNP rs139015715, ClinGen allele CA3373645.